The following is an entry in ClinVar:

NM_006904.7(PRKDC):c.6435C>A (p.Phe2145Leu)

Gene: PRKDC (protein kinase, DNA-activated, catalytic subunit; minus strand). Cytogenetic location: 8q11.21.
Variant type: single nucleotide variant.
Coding change: c.6435C>A on transcript NM_006904.7 (MANE Select); coding-DNA position 6435, C replaced by A.
Protein change: p.Phe2145Leu; replaces phenylalanine 2145 with leucine.
Molecular consequence: missense variant.
Genome position (GRCh38, 1-based): chr8:47,858,546, G>T on the plus strand (C>A on the coding strand, the complement: PRKDC is on the minus strand). VCF-style: chr8-47858546-G-T. GRCh37 (hg19) VCF-style: chr8-48771107-G-T.
Other names: c.6435C>A, p.Phe2145Leu (NM_001081640.2); short protein forms F2145L.
Identifiers: ClinVar variation 2173327 (VCV002173327.4), dbSNP rs1387872546, ClinGen allele CA371160512.

ClinVar aggregate classification (germline): Uncertain significance (1 of 4 stars; one submission).

Conditions:
Severe combined immunodeficiency due to DNA-PKcs deficiency. Also called: IMMUNODEFICIENCY 26 WITH NEUROLOGIC ABNORMALITIES; Immunodeficiency 26 with or without neurologic abnormalities. Identifiers: Orphanet 317425, MedGen C4014833, MONDO:0014423, OMIM 615966.

gnomAD v4.1: 44 of 1,537,766 alleles (0.0029%); highest among the groups gnomAD compares: Non-Finnish European, 0.0037%; no homozygotes.

Submission:

Labcorp Genetics (formerly Invitae), Labcorp
Classification: Uncertain significance for Severe combined immunodeficiency due to DNA-PKcs deficiency. Last evaluated: 2022-10-05. Review status: criteria provided, single submitter. Criteria: Invitae Variant Classification Sherloc (09022015). Collection method: clinical testing. Allele origin: germline.
Comment: In summary, the available evidence is currently insufficient to determine the role of this variant in disease. Therefore, it has been classified as a Variant of Uncertain Significance. Experimental studies and prediction algorithms are not available or were not evaluated, and the functional significance of this variant is currently unknown. This variant has not been reported in the literature in individuals affected with PRKDC-related conditions. The frequency data for this variant in the population databases is considered unreliable, as metrics indicate poor data quality at this position in the gnomAD database. This sequence change replaces phenylalanine, which is neutral and non-polar, with leucine, which is neutral and non-polar, at codon 2145 of the PRKDC protein (p.Phe2145Leu).